The following is an entry in ClinVar:

ClinVar aggregate classification (germline): Uncertain significance (1 of 4 stars; one submission).

Conditions:
Emery-Dreifuss muscular dystrophy (EDMD). Also called: Scapuloperoneal syndrome, X-linked (formerly); Humeroperoneal neuromuscular disease, (formerly). Identifiers: Orphanet 261, MedGen C0410189, MONDO:0016830.

Allele frequency attached by ClinVar (database versions not stated): gnomAD exomes below 0.00001; gnomAD 0.00001.

Submission:

Labcorp Genetics (formerly Invitae), Labcorp
Classification: Uncertain significance for Emery-Dreifuss muscular dystrophy. Last evaluated: 2022-11-03. Review status: criteria provided, single submitter. Criteria: Invitae Variant Classification Sherloc (09022015). Collection method: clinical testing. Allele origin: germline.
Comment: This sequence change creates a premature translational stop signal (p.Arg130*) in the SUN1 gene. It is expected to result in an absent or disrupted protein product. However, the current clinical and genetic evidence is not sufficient to establish whether loss-of-function variants in SUN1 cause disease. In summary, the available evidence is currently insufficient to determine the role of this variant in disease. Therefore, it has been classified as a Variant of Uncertain Significance. This variant has not been reported in the literature in individuals affected with SUN1-related conditions. This variant is present in population databases (no rsID available, gnomAD 0.006%).

NM_001130965.3(SUN1):c.388C>T (p.Arg130Ter)

Gene: SUN1 (Sad1 and UNC84 domain containing 1; plus strand). Cytogenetic location: 7p22.3.
Variant type: single nucleotide variant.
Coding change: c.388C>T on transcript NM_001130965.3 (MANE Select); coding-DNA position 388, C replaced by T.
Protein change: p.Arg130Ter; replaces arginine 130 with a stop codon.
Molecular consequence: nonsense. On other transcripts: 5 prime UTR variant (4), non-coding transcript variant (3).
Genome position (GRCh38, 1-based): chr7:842,067, C>T. VCF-style: chr7-842067-C-T. GRCh37 (hg19) VCF-style: chr7-881704-C-T.
Other names: c.388C>T, p.Arg130Ter (NM_001171944.2, NM_001171946.2, NM_001367633.1 and 34 more transcripts); c.451C>T, p.Arg151Ter (NM_001171945.2); c.-70C>T (NM_001367635.1); c.238C>T, p.Arg80Ter (NM_001367636.1, NM_001367637.1, NM_001367644.1 and 25 more transcripts); c.-180C>T (NM_001367639.1, NM_001367708.1); c.607C>T, p.Arg203Ter (NM_001367651.1); c.-374C>T (NM_001367658.1); c.199C>T, p.Arg67Ter (NM_001367695.1); short protein forms R130*, R203*, R67*, R151*, R80*.
Identifiers: ClinVar variation 2902032 (VCV002902032.3), dbSNP rs1404439229, ClinGen allele CA366547072.